The following is an entry in ClinVar:

NM_003361.4(UMOD):c.1353C>G (p.Gly451=)

Gene: UMOD (uromodulin; minus strand). Cytogenetic location: 16p12.3.
Variant type: single nucleotide variant.
Coding change: c.1353C>G on transcript NM_003361.4 (MANE Select); coding-DNA position 1353, C replaced by G.
Protein change: p.Gly451=; no amino-acid change (glycine 451 retained).
Molecular consequence: synonymous variant. On other transcripts: non-coding transcript variant (1).
Genome position (GRCh38, 1-based): chr16:20,341,315, G>C on the plus strand (C>G on the coding strand, the complement: UMOD is on the minus strand). VCF-style: chr16-20341315-G-C. GRCh37 (hg19) VCF-style: chr16-20352637-G-C.
Other names: p.Gly451=; c.1353C>G, p.Gly451= (NM_001008389.3, NM_001378232.1, NM_001378233.1); c.1452C>G, p.Gly484= (NM_001278614.2); c.1494C>G, p.Gly498= (NM_001378234.1, NM_001378235.1).
Identifiers: ClinVar variation 733026 (VCV000733026.16), dbSNP rs111904030, ClinGen allele CA7939169.

ClinVar aggregate classification (germline): Benign/Likely benign. Review status: criteria provided, multiple submitters, no conflicts (2 of 4 stars). 6 submissions from 6 submitters: Benign (1); Likely benign (4). 1 of the submissions does not count toward it. Last evaluated 2026-01-16.

Conditions:
Familial juvenile hyperuricemic nephropathy type 1 (ADTKD1). Also called: Glomerulocystic kidney disease with hyperuricemia and isosthenuria; Medullary cystic kidney disease 2; UMOD-Associated Kidney Disease; Uromodulin-associated kidney disease; Autosomal Dominant Tubulointerstitial Kidney Disease – UMOD. Identifiers: Orphanet 209886, Orphanet 34149, Orphanet 88950, MedGen C4551496, MONDO:0008073, OMIM 162000.
UMOD-related disorder. Also called: UMOD-related condition.
Kidney disorder. Also called: Kidney disease; Kidney Diseases; renal disease; Nephropathy; renal disorder. Identifiers: MedGen C0022658, MONDO:0005240, HP:0000112.

Allele frequency attached by ClinVar (database versions not stated): 1000 Genomes Project 0.00260; 1000 Genomes Project 30x 0.00281; ESP Exome Variant Server 0.00338; gnomAD 0.00346 and 0.00378; TOPMed 0.00401.
gnomAD v4.1: 1,093 of 1,613,796 alleles (0.068%); highest among the groups gnomAD compares: African/African-American, 1.3%; 4 homozygotes.

Submissions (6):

Labcorp Genetics (formerly Invitae), Labcorp
Classification: Benign. Last evaluated: 2026-01-16. Review status: criteria provided, single submitter. Criteria: Invitae Variant Classification Sherloc (09022015). Collection method: clinical testing. Allele origin: germline.

Mayo Clinic Laboratories, Mayo Clinic
Classification: Likely benign. Last evaluated: 2025-03-04. Review status: criteria provided, single submitter. Criteria: ACMG Guidelines, 2015. Collection method: clinical testing. Allele origin: germline. Observed: 2 variant alleles.
Comment: BS1, BP4, BP7

Blueprint Genetics
Classification: Likely benign. Last evaluated: 2024-11-25. Review status: criteria provided, single submitter. Criteria: ACMG Guidelines, 2015. Collection method: clinical testing. Allele origin: germline.

Fulgent Genetics
Classification: Likely benign for Familial juvenile hyperuricemic nephropathy type 1. Last evaluated: 2021-07-21. Review status: criteria provided, single submitter. Criteria: ACMG Guidelines, 2015. Collection method: clinical testing. Allele origin: unknown.

Genome Diagnostics Laboratory, The Hospital for Sick Children
Classification: Likely benign for Kidney disorder. Last evaluated: 2016-12-12. Review status: criteria provided, single submitter. Criteria: ACMG Guidelines, 2015. Collection method: clinical testing. Allele origin: germline.

PreventionGenetics, part of Exact Sciences
Classification: Benign for UMOD-related condition. Last evaluated: 2019-07-24. Review status: no assertion criteria provided. Collection method: clinical testing. Allele origin: germline. Not counted in ClinVar's aggregate classification.
Comment: This variant is classified as benign based on ACMG/AMP sequence variant interpretation guidelines (Richards et al. 2015 PMID: 25741868, with internal and published modifications).